The following is an entry in ClinVar:

ClinVar aggregate classification (germline): Likely pathogenic (1 of 4 stars; one submission).

Submission:

Labcorp Genetics (formerly Invitae), Labcorp
Classification: Likely pathogenic. Last evaluated: 2025-06-10. Review status: criteria provided, single submitter. Criteria: Invitae Variant Classification Sherloc (09022015). Collection method: clinical testing. Allele origin: germline.
Comment: This variant results in the deletion of part of exon 2 (c.86_88+9del) of the COL9A1 gene. It is expected to disrupt RNA splicing. Variants that disrupt the donor or acceptor splice site typically lead to a loss of protein function (PMID: 16199547), and loss-of-function variants in COL9A1 are known to be pathogenic (PMID: 16909383, 21421862). This variant is present in population databases (rs765493530, gnomAD 0.007%). This variant has not been reported in the literature in individuals affected with COL9A1-related conditions. In summary, the currently available evidence indicates that the variant is pathogenic, but additional data are needed to prove that conclusively. Therefore, this variant has been classified as Likely Pathogenic.

Literature cited by the submitters: PubMed 16199547; PubMed 16909383; PubMed 21421862.

NM_001851.6(COL9A1):c.86_88+9del

Gene: COL9A1 (collagen type IX alpha 1 chain; minus strand). Cytogenetic location: 6q13.
Variant type: Deletion.
Coding change: c.86_88+9del on transcript NM_001851.6 (MANE Select); coding-DNA position 86 through 9 bases into the intron after coding-DNA position 88, 12 bases deleted (CCAGTAAGGGCC).
Molecular consequence: splice donor variant.
Genome position (GRCh38, 1-based): chr6:70,301,992-70,302,003, GGCCCTTACTGG deleted on the plus strand (CCAGTAAGGGCC on the coding strand, the reverse complement: COL9A1 is on the minus strand); deleting any 12 consecutive bases within chr6:70,301,992-70,302,006 gives the same sequence; the c. name uses the placement nearest the transcript's 3' end. VCF-style (leftmost placement, unchanged base first): chr6-70301991-TGGCCCTTACTGG-T. GRCh37 (hg19) VCF-style: chr6-71011694-TGGCCCTTACTGG-T.
Other names: c.86_88+9del (NM_001377291.1).
Identifiers: ClinVar variation 4738430 (VCV004738430.1).